The following is an entry in ClinVar:

ClinVar aggregate classification (germline): Uncertain significance. Review status: criteria provided, multiple submitters, no conflicts (2 of 4 stars). 2 submissions from 2 submitters: Uncertain significance (2). Last evaluated 2022-05-27.

Allele frequency attached by ClinVar (database versions not stated): gnomAD exomes 0.00001 and 0.00002; TOPMed 0.00002; ExAC 0.00003; gnomAD 0.00003; ESP Exome Variant Server 0.00008.
gnomAD v4.1: 25 of 1,613,900 alleles (0.0015%); highest among the groups gnomAD compares: Middle Eastern, 0.016%; no homozygotes.

Submissions (2):

Labcorp Genetics (formerly Invitae), Labcorp
Classification: Uncertain significance. Last evaluated: 2022-05-27. Review status: criteria provided, single submitter. Criteria: Invitae Variant Classification Sherloc (09022015). Collection method: clinical testing. Allele origin: germline.
Comment: This sequence change replaces glutamic acid, which is acidic and polar, with glutamine, which is neutral and polar, at codon 170 of the RXYLT1 protein (p.Glu170Gln). This variant is present in population databases (rs201894421, gnomAD 0.005%). This variant has not been reported in the literature in individuals affected with RXYLT1-related conditions. Algorithms developed to predict the effect of missense changes on protein structure and function (SIFT, PolyPhen-2, Align-GVGD) all suggest that this variant is likely to be disruptive. In summary, the available evidence is currently insufficient to determine the role of this variant in disease. Therefore, it has been classified as a Variant of Uncertain Significance.

GeneDx
Classification: Uncertain significance. Last evaluated: 2022-05-06. Review status: criteria provided, single submitter. Criteria: GeneDx Variant Classification Process June 2021. Collection method: clinical testing. Allele origin: germline. Affected: yes.
Comment: Not observed at significant frequency in large population cohorts (gnomAD); In silico analysis supports that this missense variant does not alter protein structure/function; Has not been previously published as pathogenic or benign to our knowledge

NM_014254.3(RXYLT1):c.508G>C (p.Glu170Gln)

Gene: RXYLT1 (ribitol xylosyltransferase 1; plus strand). Cytogenetic location: 12q14.2.
Variant type: single nucleotide variant.
Coding change: c.508G>C on transcript NM_014254.3 (MANE Select); coding-DNA position 508, G replaced by C.
Protein change: p.Glu170Gln; replaces glutamic acid 170 with glutamine.
Molecular consequence: missense variant. On other transcripts: 5 prime UTR variant (1).
Genome position (GRCh38, 1-based): chr12:63,802,170, G>C. VCF-style: chr12-63802170-G-C. GRCh37 (hg19) VCF-style: chr12-64195950-G-C.
Other names: c.-273G>C (NM_001278237.2); short protein forms E170Q.
Identifiers: ClinVar variation 1345452 (VCV001345452.6), dbSNP rs201894421, ClinGen allele CA6666123.
Genomic context (GRCh38, chr12:63,802,170, plus strand): 5'-GTAATACCAGGGTACTTCTCCGTTGATGTGAATAATGTGGTACTCATTTTAAATGGAAGA[G>C]AAAAAGCAAAGATCTTTTATGCCACCCAGTGGTTACTTTATGCACAAAATTTAGTGCAAA-3'
Protein context (NP_055069.1, residues 160-180): NNVVLILNGR[Glu170Gln]KAKIFYATQW